The following is an entry in ClinVar:

NM_198904.4(GABRG2):c.1129-8A>T

Gene: GABRG2 (gamma-aminobutyric acid type A receptor subunit gamma2; plus strand). Cytogenetic location: 5q34.
Variant type: single nucleotide variant.
Coding change: c.1129-8A>T on transcript NM_198904.4 (MANE Select); 8 bases into the intron before coding-DNA position 1129, A replaced by T.
Molecular consequence: intron variant.
Genome position (GRCh38, 1-based): chr5:162,151,722, A>T. VCF-style: chr5-162151722-A-T. GRCh37 (hg19) VCF-style: chr5-161578728-A-T.
Other names: c.844-1371A>T (NM_001375349.1); c.1249-1371A>T (NM_001375343.1); c.1168-8A>T (NM_001375344.1); c.923-8A>T (NM_001375340.1); c.1126-8A>T (NM_001375341.1); c.1126-1371A>T (NM_001375342.1); c.709-8A>T (NM_001375350.1); c.709-1371A>T (NM_001375348.1); and 6 more.
Identifiers: ClinVar variation 3385011 (VCV003385011.1).

ClinVar aggregate classification (germline): Uncertain significance (1 of 4 stars; one submission).

Submission:

Women's Health and Genetics/Laboratory Corporation of America, LabCorp
Classification: Uncertain significance. Last evaluated: 2024-10-01. Review status: criteria provided, single submitter. Criteria: LabCorp Variant Classification Summary - May 2015. Collection method: clinical testing. Allele origin: germline.
Comment: Variant summary: GABRG2 c.1249-8A>T alters a nucleotide located close to a canonical splice site and therefore could affect mRNA splicing, leading to a significantly altered protein sequence. Consensus agreement among computation tools predict no significant impact on normal splicing. However, these predictions have yet to be confirmed by functional studies. The variant was absent in 1609502 control chromosomes (gnomAD database v4). The available data on variant occurrences in the general population are insufficient to allow any conclusion about variant significance. To our knowledge, no occurrence of c.1249-8A>T in individuals affected with Developmental And Epileptic Encephalopathy, 74 and no experimental evidence demonstrating its impact on protein function have been reported. No submitters have cited clinical-significance assessments for this variant to ClinVar. Based on the evidence outlined above, the variant was classified as uncertain significance.